The following is an entry in ClinVar:

ClinVar aggregate classification (germline): Uncertain significance. Review status: criteria provided, multiple submitters, no conflicts (2 of 4 stars). 2 submissions from 2 submitters: Uncertain significance (2). Last evaluated 2025-10-13.

Submissions (2):

Labcorp Genetics (formerly Invitae), Labcorp
Classification: Uncertain significance. Last evaluated: 2025-10-13. Review status: criteria provided, single submitter. Criteria: Invitae Variant Classification Sherloc (09022015). Collection method: clinical testing. Allele origin: germline.
Comment: This sequence change replaces alanine, which is neutral and non-polar, with valine, which is neutral and non-polar, at codon 637 of the SLC12A6 protein (p.Ala637Val). This variant is not present in population databases (gnomAD no frequency). This variant has not been reported in the literature in individuals affected with SLC12A6-related conditions. ClinVar contains an entry for this variant (Variation ID: 1482564). Invitae Evidence Modeling of protein sequence and biophysical properties (such as structural, functional, and spatial information, amino acid conservation, physicochemical variation, residue mobility, and thermodynamic stability) indicates that this missense variant is expected to disrupt SLC12A6 protein function with a positive predictive value of 80%. In summary, the available evidence is currently insufficient to determine the role of this variant in disease. Therefore, it has been classified as a Variant of Uncertain Significance.

GeneDx
Classification: Uncertain significance. Last evaluated: 2025-05-21. Review status: criteria provided, single submitter. Criteria: GeneDx Variant Classification Process June 2021. Collection method: clinical testing. Allele origin: germline. Affected: yes.
Comment: Not observed at significant frequency in large population cohorts (gnomAD); In silico analysis supports that this missense variant has a deleterious effect on protein structure/function; Has not been previously published as pathogenic or benign to our knowledge

NM_001365088.1(SLC12A6):c.1910C>T (p.Ala637Val)

Gene: SLC12A6 (solute carrier family 12 member 6; minus strand). Cytogenetic location: 15q14.
Variant type: single nucleotide variant.
Coding change: c.1910C>T on transcript NM_001365088.1 (MANE Select); coding-DNA position 1910, C replaced by T.
Protein change: p.Ala637Val; replaces alanine 637 with valine.
Molecular consequence: missense variant.
Genome position (GRCh38, 1-based): chr15:34,245,318, G>A on the plus strand (C>T on the coding strand, the complement: SLC12A6 is on the minus strand). VCF-style: chr15-34245318-G-A. GRCh37 (hg19) VCF-style: chr15-34537519-G-A.
Other names: c.1910C>T (NM_133647.1); c.1733C>T, p.Ala578Val (NM_001042494.2, NM_001042495.2); c.1883C>T, p.Ala628Val (NM_001042496.2); c.1865C>T, p.Ala622Val (NM_001042497.2); c.1757C>T, p.Ala586Val (NM_005135.2); c.1910C>T, p.Ala637Val (NM_133647.2); short protein forms A578V, A628V, A637V, A622V, A586V.
Identifiers: ClinVar variation 1482564 (VCV001482564.9), dbSNP rs2140689472, ClinGen allele CA391620765.